The following is an entry in ClinVar:

NM_002180.3(IGHMBP2):c.815T>C (p.Leu272Pro)

Gene: IGHMBP2 (immunoglobulin mu DNA binding protein 2; plus strand). Cytogenetic location: 11q13.3.
Variant type: single nucleotide variant.
Coding change: c.815T>C on transcript NM_002180.3 (MANE Select); coding-DNA position 815, T replaced by C.
Protein change: p.Leu272Pro; replaces leucine 272 with proline.
Molecular consequence: missense variant.
Genome position (GRCh38, 1-based): chr11:68,914,926, T>C. VCF-style: chr11-68914926-T-C. GRCh37 (hg19) VCF-style: chr11-68682394-T-C.
Other names: short protein forms L272P.
Identifiers: ClinVar variation 466599 (VCV000466599.8), dbSNP rs773582904, ClinGen allele CA6153404.

ClinVar aggregate classification (germline): Uncertain significance. Review status: criteria provided, multiple submitters, no conflicts (2 of 4 stars). 3 submissions from 3 submitters: Uncertain significance (3). Last evaluated 2026-01-06.

Conditions:
Inborn genetic diseases. Identifiers: MedGen C0950123, MeSH D030342.
Charcot-Marie-Tooth disease axonal type 2S. Also called: CHARCOT-MARIE-TOOTH NEUROPATHY, TYPE 2S; CHARCOT-MARIE-TOOTH DISEASE, AXONAL, AUTOSOMAL RECESSIVE, TYPE 2S. Identifiers: Orphanet 443073, MedGen C4015349, MONDO:0014511, OMIM 616155.
Autosomal recessive distal spinal muscular atrophy 1. Also called: NEURONOPATHY, DISTAL HEREDITARY MOTOR, HARDING TYPE VI; NEUROPATHY, DISTAL HEREDITARY MOTOR, AUTOSOMAL RECESSIVE 1; HMN VI; NEURONOPATHY, SEVERE INFANTILE AXONAL, WITH RESPIRATORY FAILURE; SEVERE INFANTILE AXONAL NEUROPATHY WITH RESPIRATORY FAILURE; SPINAL MUSCULAR ATROPHY, DIAPHRAGMATIC. Identifiers: Orphanet 98920, MedGen C1858517, MONDO:0011436, OMIM 604320.

Allele frequency attached by ClinVar (database versions not stated): gnomAD exomes 0.00001 and 0.00002; TOPMed 0.00001; ExAC 0.00002; gnomAD 0.00002.
gnomAD v4.1: 16 of 1,614,004 alleles (0.00099%); highest among the groups gnomAD compares: African/African-American, 0.0027%; no homozygotes.

Submissions (3):

Women's Health and Genetics/Laboratory Corporation of America, LabCorp
Classification: Uncertain significance. Last evaluated: 2026-01-06. Review status: criteria provided, single submitter. Criteria: LabCorp Variant Classification Summary - May 2015. Collection method: clinical testing. Allele origin: germline.
Comment: Variant summary: IGHMBP2 c.815T>C (p.Leu272Pro) results in a non-conservative amino acid change in the encoded protein sequence. Algorithms developed to predict the effect of missense changes on protein structure and function all suggest that this variant is likely to be disruptive. The variant allele was found at a frequency of 2e-05 in 251472 control chromosomes. The available data on variant occurrences in the general population are insufficient to allow any conclusion about variant significance. c.815T>C has been observed in an individual affected with Charcot-Marie-Tooth disease axonal type 2S (Geroldi_2024). These data do not allow any conclusion about variant significance. To our knowledge, no experimental evidence demonstrating an impact on protein function has been reported. The following publication have been ascertained in the context of this evaluation (PMID: 38871447). ClinVar contains an entry for this variant (Variation ID: 466599). Based on the evidence outlined above, the variant was classified as uncertain significance.

Ambry Genetics
Classification: Uncertain significance for Inborn genetic diseases. Last evaluated: 2024-09-30. Review status: criteria provided, single submitter. Criteria: Ambry Variant Classification Scheme 2023. Collection method: clinical testing. Allele origin: germline.

Labcorp Genetics (formerly Invitae), Labcorp
Classification: Uncertain significance for Autosomal recessive distal spinal muscular atrophy 1; Charcot-Marie-Tooth disease axonal type 2S. Last evaluated: 2021-08-31. Review status: criteria provided, single submitter. Criteria: Invitae Variant Classification Sherloc (09022015). Collection method: clinical testing. Allele origin: germline.
Comment: This sequence change replaces leucine with proline at codon 272 of the IGHMBP2 protein (p.Leu272Pro). The leucine residue is moderately conserved and there is a moderate physicochemical difference between leucine and proline. This variant is present in population databases (rs773582904, ExAC 0.004%). This variant has not been reported in the literature in individuals affected with IGHMBP2-related conditions. Algorithms developed to predict the effect of missense changes on protein structure and function are either unavailable or do not agree on the potential impact of this missense change (SIFT: "Deleterious"; PolyPhen-2: "Probably Damaging"; Align-GVGD: "Class C0"). In summary, the available evidence is currently insufficient to determine the role of this variant in disease. Therefore, it has been classified as a Variant of Uncertain Significance.

Literature cited by the submitters: PubMed 38871447 (cited by Women's Health and Genetics/Laboratory Corporation of America, LabCorp).